The following is an entry in ClinVar:

NM_001395460.1(TENM2):c.3791C>G (p.Pro1264Arg)

Gene: TENM2 (teneurin transmembrane protein 2; plus strand). Cytogenetic location: 5q34.
Variant type: single nucleotide variant.
Coding change: c.3791C>G on transcript NM_001395460.1 (MANE Select); coding-DNA position 3791, C replaced by G.
Protein change: p.Pro1264Arg; replaces proline 1264 with arginine.
Molecular consequence: missense variant.
Genome position (GRCh38, 1-based): chr5:168,204,588, C>G. VCF-style: chr5-168204588-C-G. GRCh37 (hg19) VCF-style: chr5-167631593-C-G.
Other names: NM_001395460.1:c.3791C>G; c.3095C>G, p.Pro1032Arg (NM_001080428.3); c.3764C>G, p.Pro1255Arg (NM_001122679.2); c.3335C>G, p.Pro1112Arg (NM_001368145.1); c.3308C>G, p.Pro1103Arg (NM_001368146.1); short protein forms P1032R, P1103R, P1112R, P1255R, P1264R.
Identifiers: ClinVar variation 4819490 (VCV004819490.1).
Genomic context (GRCh38, chr5:168,204,588, plus strand): 5'-CTGTTGGAATCGATGGGAGCCTCTATGTGGGTGACTTCAATTACATCCGACGCATCTTTC[C>G]CTCTCGAAATGTGACCAGCATCTTGGAGTTACGGTAAATGGCCTCACAGGCAACCTTCTT-3'
Protein context (NP_001382389.1, residues 1254-1274): GDFNYIRRIF[Pro1264Arg]SRNVTSILEL

ClinVar aggregate classification (germline): Uncertain significance (1 of 4 stars; one submission).

Conditions:
Neurodevelopmental disorder. Identifiers: MedGen C1535926, MeSH D065886, MONDO:0700092.

Submission:

Broad Center for Mendelian Genomics, Broad Institute of MIT and Harvard
Classification: Uncertain significance for Neurodevelopmental disorder. Last evaluated: 2026-03-02. Review status: criteria provided, single submitter. Criteria: ACMG Guidelines, 2015. Collection method: research. Allele origin: germline. Inheritance: Autosomal dominant inheritance.
Comment: The p.Pro1264Arg variant in TENM2 has not been previously reported in the literature in individuals with neurodevelopmental disorders, and was absent from large population studies. Computational prediction tools and conservation analyses suggest that this variant may impact the protein, though this information is not predictive enough to determine an impact. The number of missense variants reported in TENM2 in the general population is lower than expected, suggesting there is little benign variation in this gene and slightly increasing the possibility that a missense variant in this gene may not be tolerated. While variants in the TENM2 gene have been reported in individuals with neurodevelopmental disorders, this association has not been definitively established. In summary, given the limited information about this gene-disease relationship, the significance of the p.Pro1264Arg variant is uncertain.